The following is an entry in ClinVar:

NM_001244008.2(KIF1A):c.685C>T (p.Arg229Cys)

Gene: KIF1A (kinesin family member 1A; minus strand). Cytogenetic location: 2q37.3.
Variant type: single nucleotide variant.
Coding change: c.685C>T on transcript NM_001244008.2 (MANE Select); coding-DNA position 685, C replaced by T.
Protein change: p.Arg229Cys; replaces arginine 229 with cysteine.
Molecular consequence: missense variant.
Genome position (GRCh38, 1-based): chr2:240,785,024, G>A on the plus strand (C>T on the coding strand, the complement: KIF1A is on the minus strand). VCF-style: chr2-240785024-G-A. GRCh37 (hg19) VCF-style: chr2-241724441-G-A.
Other names: c.685C>T, p.Arg229Cys (NM_001320705.2, NM_001330289.2, NM_001330290.2 and 20 more transcripts); c.685C>T (NM_001244008.1); short protein forms R229C.
Identifiers: ClinVar variation 840623 (VCV000840623.11), dbSNP rs776660768, ClinGen allele CA2208707.

ClinVar aggregate classification (germline): Uncertain significance. Review status: criteria provided, multiple submitters, no conflicts (2 of 4 stars). 2 submissions from 2 submitters: Uncertain significance (2). Last evaluated 2026-05-15.

Conditions:
KIF1A-related disorder. Also called: KIF1A-related disorders; KIF1A-related condition.
Hereditary spastic paraplegia 30. Identifiers: Orphanet 101010, MedGen C5235139, MONDO:0012476.
Neuropathy, hereditary sensory, type 2C. Also called: KIF1A-Related HSAN2 (HSAN2C); Hereditary sensory and autonomic neuropathy type IIC. Identifiers: Orphanet 970, MedGen C3280168, MONDO:0013634, OMIM 614213.
Intellectual disability, autosomal dominant 9 (NESCAVS). Also called: NESCAV SYNDROME; KIF1A-Related Neurodevelopmental Disorder. Identifiers: Orphanet 662367, MedGen C5393830, MONDO:0013656, OMIM 614255.

Allele frequency attached by ClinVar (database versions not stated): gnomAD 0.00001; TOPMed 0.00001; ExAC 0.00002; gnomAD exomes 0.00002.
gnomAD v4.1: 34 of 1,613,508 alleles (0.0021%); highest among the groups gnomAD compares: Non-Finnish European, 0.0013%; no homozygotes.

Submissions (2):

PreventionGenetics, part of Exact Sciences
Classification: Uncertain significance for KIF1A-related condition. Last evaluated: 2026-05-15. Review status: criteria provided, single submitter. Criteria: ACMG Guidelines, 2015. Collection method: clinical testing. Allele origin: germline.
Comment: The KIF1A c.685C>T variant is predicted to result in the amino acid substitution p.Arg229Cys. This variant has been reported as a variant of uncertain significance in the compound heterozygous state with an additional KIF1A missense variant in a patient with features of a KIF1A-related disorders (Table S1, Boyle et al. 2021. PubMed ID: 33880452. This variant is reported in 0.019% of alleles in individuals of Ashkenazi Jewish descent in gnomAD. At this time, the clinical significance of this variant is uncertain due to the absence of conclusive functional and genetic evidence.

Labcorp Genetics (formerly Invitae), Labcorp
Classification: Uncertain significance for Hereditary spastic paraplegia 30; Neuropathy, hereditary sensory, type 2C; Intellectual disability, autosomal dominant 9. Last evaluated: 2023-11-28. Review status: criteria provided, single submitter. Criteria: Invitae Variant Classification Sherloc (09022015). Collection method: clinical testing. Allele origin: germline.
Comment: This sequence change replaces arginine, which is basic and polar, with cysteine, which is neutral and slightly polar, at codon 229 of the KIF1A protein (p.Arg229Cys). This variant is present in population databases (rs776660768, gnomAD 0.02%). This missense change has been observed in individual(s) with KIF1A-related conditions (PMID: 33880452). ClinVar contains an entry for this variant (Variation ID: 840623). Advanced modeling of protein sequence and biophysical properties (such as structural, functional, and spatial information, amino acid conservation, physicochemical variation, residue mobility, and thermodynamic stability) performed at Invitae indicates that this missense variant is expected to disrupt KIF1A protein function with a positive predictive value of 95%. In summary, the available evidence is currently insufficient to determine the role of this variant in disease. Therefore, it has been classified as a Variant of Uncertain Significance.

Literature cited by the submitters: PubMed 33880452 (cited by Labcorp Genetics (formerly Invitae), Labcorp).